The following is an entry in ClinVar:

ClinVar aggregate classification (germline): Uncertain significance. Review status: criteria provided, multiple submitters, no conflicts (2 of 4 stars). 3 submissions from 3 submitters: Uncertain significance (3). Last evaluated 2024-05-13.

Conditions:
Inborn genetic diseases. Identifiers: MedGen C0950123, MeSH D030342.
Adams-Oliver syndrome 2 (AOS2). Identifiers: Orphanet 974, MedGen C3280182, MONDO:0013635, OMIM 614219.

Allele frequency attached by ClinVar (database versions not stated): gnomAD 0.00002; gnomAD exomes 0.00003 and 0.00006; ExAC 0.00005.
gnomAD v4.1: 18 of 1,584,666 alleles (0.0011%); highest among the groups gnomAD compares: Admixed American, 0.031%; no homozygotes.

Submissions (3):

Ambry Genetics
Classification: Uncertain significance for Inborn genetic diseases. Last evaluated: 2024-05-13. Review status: criteria provided, single submitter. Criteria: Ambry Variant Classification Scheme 2023. Collection method: clinical testing. Allele origin: germline.

Labcorp Genetics (formerly Invitae), Labcorp
Classification: Uncertain significance. Last evaluated: 2022-08-21. Review status: criteria provided, single submitter. Criteria: Invitae Variant Classification Sherloc (09022015). Collection method: clinical testing. Allele origin: germline.
Comment: This sequence change replaces proline, which is neutral and non-polar, with leucine, which is neutral and non-polar, at codon 150 of the DOCK6 protein (p.Pro150Leu). This variant is present in population databases (rs781180338, gnomAD 0.04%). This variant has not been reported in the literature in individuals affected with DOCK6-related conditions. ClinVar contains an entry for this variant (Variation ID: 1436335). Algorithms developed to predict the effect of missense changes on protein structure and function (SIFT, PolyPhen-2, Align-GVGD) all suggest that this variant is likely to be tolerated. In summary, the available evidence is currently insufficient to determine the role of this variant in disease. Therefore, it has been classified as a Variant of Uncertain Significance.

Revvity Omics, Revvity
Classification: Uncertain significance for Adams-Oliver syndrome 2. Last evaluated: 2021-05-26. Review status: criteria provided, single submitter. Criteria: ACMG Guidelines, 2015. Collection method: clinical testing. Allele origin: germline.

NM_020812.4(DOCK6):c.449C>T (p.Pro150Leu)

Gene: DOCK6 (dedicator of cytokinesis 6; minus strand). Cytogenetic location: 19p13.2.
Variant type: single nucleotide variant.
Coding change: c.449C>T on transcript NM_020812.4 (MANE Select); coding-DNA position 449, C replaced by T.
Protein change: p.Pro150Leu; replaces proline 150 with leucine.
Molecular consequence: missense variant.
Genome position (GRCh38, 1-based): chr19:11,252,177, G>A on the plus strand (C>T on the coding strand, the complement: DOCK6 is on the minus strand). VCF-style: chr19-11252177-G-A. GRCh37 (hg19) VCF-style: chr19-11362853-G-A.
Other names: c.449C>T, p.Pro150Leu (NM_001367830.1); c.449C>T (NM_020812.2); short protein forms P150L.
Identifiers: ClinVar variation 1436335 (VCV001436335.6), dbSNP rs781180338, ClinGen allele CA9208490.